The following is an entry in ClinVar:

ClinVar aggregate classification (germline): Uncertain significance (1 of 4 stars; one submission).

Conditions:
Osteogenesis imperfecta type I (OI1). Also called: OI, TYPE I; OSTEOGENESIS IMPERFECTA TARDA; OSTEOGENESIS IMPERFECTA WITH BLUE SCLERAE; Osteogenesis imperfecta type 1; Lobstein's Disease; Lobstein disease. Identifiers: Orphanet 216796, Orphanet 666, MedGen C0023931, MONDO:0008146, OMIM 166200. Disease mechanism: loss of function.

Allele frequency attached by ClinVar (database versions not stated): ExAC 0.00001; gnomAD exomes below 0.00001.
gnomAD v4.1: 4 of 1,614,168 alleles (0.00025%); highest among the groups gnomAD compares: Non-Finnish European, 0.00034%; no homozygotes.

Submission:

Labcorp Genetics (formerly Invitae), Labcorp
Classification: Uncertain significance for Osteogenesis imperfecta type I. Last evaluated: 2023-07-31. Review status: criteria provided, single submitter. Criteria: Invitae Variant Classification Sherloc (09022015). Collection method: clinical testing. Allele origin: germline.
Comment: This sequence change replaces serine, which is neutral and polar, with phenylalanine, which is neutral and non-polar, at codon 1393 of the COL1A1 protein (p.Ser1393Phe). This variant is present in population databases (rs774210351, gnomAD 0.0009%). This missense change has been observed in individual(s) with clinical features of COL1A1-related conditions (Invitae). ClinVar contains an entry for this variant (Variation ID: 456786). Advanced modeling of protein sequence and biophysical properties (such as structural, functional, and spatial information, amino acid conservation, physicochemical variation, residue mobility, and thermodynamic stability) has been performed at Invitae for this missense variant, however the output from this modeling did not meet the statistical confidence thresholds required to predict the impact of this variant on COL1A1 protein function. In summary, the available evidence is currently insufficient to determine the role of this variant in disease. Therefore, it has been classified as a Variant of Uncertain Significance.

NM_000088.4(COL1A1):c.4178C>T (p.Ser1393Phe)

Gene: COL1A1 (collagen type I alpha 1 chain; minus strand). Cytogenetic location: 17q21.33.
Variant type: single nucleotide variant.
Coding change: c.4178C>T on transcript NM_000088.4 (MANE Select); coding-DNA position 4178, C replaced by T.
Protein change: p.Ser1393Phe; replaces serine 1393 with phenylalanine.
Molecular consequence: missense variant.
Genome position (GRCh38, 1-based): chr17:50,185,848, G>A on the plus strand (C>T on the coding strand, the complement: COL1A1 is on the minus strand). VCF-style: chr17-50185848-G-A. GRCh37 (hg19) VCF-style: chr17-48263209-G-A.
Other names: short protein forms S1393F.
Identifiers: ClinVar variation 456786 (VCV000456786.9), dbSNP rs774210351, ClinGen allele CA8644244.